The following continues an entry in ClinVar:

NM_138694.4(PKHD1):c.5498C>T (p.Ser1833Leu)

Gene: PKHD1. ClinVar aggregate classification (germline): Conflicting classifications of pathogenicity. Pathogenic (4); Likely pathogenic (8); Uncertain significance (3).

Submissions 11 to 19 of 19:

Department of Pathology and Laboratory Medicine, Sinai Health System
Classification: Uncertain significance for Polycystic kidney disease 4. Last evaluated: 2022-01-17. Review status: criteria provided, single submitter. Criteria: ACMG Guidelines, 2015. Collection method: research. Allele origin: germline.

Laboratory of Molecular Genetics, Children's Memorial Health Institute
Classification: Likely pathogenic for Polycystic kidney disease 4. Last evaluated: 2020-09-25. Review status: criteria provided, single submitter. Criteria: ACMG Guidelines, 2015. Collection method: clinical testing. Allele origin: unknown. Inheritance: Autosomal recessive inheritance. Affected: yes. Observed: 1 compound heterozygote.

Fulgent Genetics
Classification: Uncertain significance for Polycystic kidney disease 4. Last evaluated: 2018-10-31. Review status: criteria provided, single submitter. Criteria: ACMG Guidelines, 2015. Collection method: clinical testing. Allele origin: unknown.

Eurofins Ntd Llc (ga)
Classification: Uncertain significance. Last evaluated: 2016-12-28. Review status: criteria provided, single submitter. Criteria: EGL Classification Definitions 2015. Collection method: clinical testing. Allele origin: germline. Observed: 4 variant alleles, 4 heterozygotes.

Baylor Genetics
Classification: Likely pathogenic for Polycystic kidney disease 4. Review status: criteria provided, single submitter. Criteria: ACMG Guidelines, 2015. Collection method: clinical testing. Allele origin: germline.

PreventionGenetics, part of Exact Sciences
Classification: Likely pathogenic for PKHD1-related condition. Last evaluated: 2024-08-28. Review status: no assertion criteria provided. Collection method: clinical testing. Allele origin: germline. Not counted in ClinVar's aggregate classification.
Comment: The PKHD1 c.5498C>T variant is predicted to result in the amino acid substitution p.Ser1833Leu. In addition, this variant was reported with a pathogenic (splice or exon-level deletion) variant in two unrelated families affected by ARPKD (Table S1 of Ajiri et al. 2022. PubMed ID: 35812281). Moreover, we have previously observed this variant together with a frameshift variant in two unrelated children tested for polycystic kidney disease at PreventionGenetics (internal data). This variant is reported in 0.030% of alleles in individuals of European (Non-Finnish) descent in gnomAD. This variant is interpreted as likely pathogenic. Of note, this variant has been suggested to be incompletely penetrant (Mikó et al. 2021. PubMed ID: 34405919).

Counsyl
Classification: Uncertain significance for Polycystic kidney disease 4. Last evaluated: 2017-10-24. Review status: no assertion criteria provided. Collection method: clinical testing. Allele origin: unknown. Not counted in ClinVar's aggregate classification.

Genome Diagnostics Laboratory, University Medical Center Utrecht
Classification: Uncertain significance. Review status: no assertion criteria provided. Collection method: clinical testing. Allele origin: germline. Affected: yes. Study: VKGL Data-share Consensus. Not counted in ClinVar's aggregate classification.

Joint Genome Diagnostic Labs from Nijmegen and Maastricht, Radboudumc and MUMC+
Classification: Uncertain significance. Review status: no assertion criteria provided. Collection method: clinical testing. Allele origin: germline. Affected: yes. Study: VKGL Data-share Consensus. Not counted in ClinVar's aggregate classification.

Literature cited by the submitters: PubMed 33282801 (cited by 5 submitters); PubMed 36691356 (cited by Victorian Clinical Genetics Services, Murdoch Childrens Research Institute); PubMed 21945273 (cited by Victorian Clinical Genetics Services, Murdoch Childrens Research Institute); PubMed 20301501 (cited by Victorian Clinical Genetics Services, Murdoch Childrens Research Institute); PubMed 19914852 (cited by 6 submitters); PubMed 12846734 (cited by 6 submitters); PubMed 27752906 (cited by 3 submitters); PubMed 33940108 (cited by 3 submitters); PubMed 35812281 (cited by 3 submitters); PubMed 26489027 (cited by 3 submitters); PubMed 34405919 (cited by Rare Kidney Stone Consortium and the Mayo Clinic Hyperoxaluria Center, Mayo Clinic and Women's Health and Genetics/Laboratory Corporation of America, LabCorp); PubMed 36550190 (cited by Rare Kidney Stone Consortium and the Mayo Clinic Hyperoxaluria Center, Mayo Clinic); PubMed 40794449 (cited by Rare Kidney Stone Consortium and the Mayo Clinic Hyperoxaluria Center, Mayo Clinic).